The following is an entry in ClinVar:

NM_147127.5(EVC2):c.820A>T (p.Arg274Ter)

Gene: EVC2 (EvC ciliary complex subunit 2; minus strand). Cytogenetic location: 4p16.2.
Variant type: single nucleotide variant.
Coding change: c.820A>T on transcript NM_147127.5 (MANE Select); coding-DNA position 820, A replaced by T.
Protein change: p.Arg274Ter; replaces arginine 274 with a stop codon.
Molecular consequence: nonsense.
Genome position (GRCh38, 1-based): chr4:5,681,310, T>A on the plus strand (A>T on the coding strand, the complement: EVC2 is on the minus strand). VCF-style: chr4-5681310-T-A. GRCh37 (hg19) VCF-style: chr4-5683037-T-A.
Other names: c.580A>T, p.Arg194Ter (NM_001166136.2); short protein forms R194*, R274*.
Identifiers: ClinVar variation 1429358 (VCV001429358.7), dbSNP rs2151724149, ClinGen allele CA356145815.
Genomic context (GRCh38, chr4:5,681,310, plus strand): 5'-TGTCTCTTACCGTTACGTTTTCTTCTGCTGTTATGGAAAAAAGCACTTTCAGCTGTGTTC[T>A]GTTCTAGAAAAGGAAAAAAGAAAACACTTTCAGCAACAGTTTGGGGTCTGACACGTGGGA-3'

ClinVar aggregate classification (germline): Pathogenic (1 of 4 stars; one submission).

Conditions:
Ellis-van Creveld syndrome (EVC). Also called: Chondroectodermal dysplasia; EVC-Related Ellis-van Creveld Syndrome; EVC2-Related Ellis-van Creveld Syndrome; MESOECTODERMAL DYSPLASIA. Identifiers: Orphanet 289, MedGen C0013903, MONDO:0009162, OMIM 225500.
Curry-Hall syndrome (WAD). Also called: WEYERS ACRODENTAL DYSOSTOSIS. Identifiers: Orphanet 952, MedGen C0457013, MONDO:0008673, OMIM 193530.

Submission:

Labcorp Genetics (formerly Invitae), Labcorp
Classification: Pathogenic for Curry-Hall syndrome; Ellis-van Creveld syndrome. Last evaluated: 2021-04-23. Review status: criteria provided, single submitter. Criteria: Invitae Variant Classification Sherloc (09022015). Collection method: clinical testing. Allele origin: germline.
Comment: For these reasons, this variant has been classified as Pathogenic. This variant has not been reported in the literature in individuals with EVC2-related conditions. This variant is not present in population databases (ExAC no frequency). This sequence change creates a premature translational stop signal (p.Arg274*) in the EVC2 gene. It is expected to result in an absent or disrupted protein product. Loss-of-function variants in EVC2 are known to be pathogenic (PMID: 17024374, 19810119, 19876929).

Literature cited by the submitters: PubMed 17024374; PubMed 19810119; PubMed 19876929.